The following is an entry in ClinVar:

NM_001378183.1(PIEZO2):c.6559A>G (p.Ile2187Val)

Gene: PIEZO2 (piezo type mechanosensitive ion channel component 2; minus strand). Cytogenetic location: 18p11.22.
Variant type: single nucleotide variant.
Coding change: c.6559A>G on transcript NM_001378183.1 (MANE Select); coding-DNA position 6559, A replaced by G.
Protein change: p.Ile2187Val; replaces isoleucine 2187 with valine.
Molecular consequence: missense variant.
Genome position (GRCh38, 1-based): chr18:10,699,060, T>C on the plus strand (A>G on the coding strand, the complement: PIEZO2 is on the minus strand). VCF-style: chr18-10699060-T-C. GRCh37 (hg19) VCF-style: chr18-10699058-T-C.
Other names: c.6295A>G, p.Ile2099Val (NM_001410871.1); c.6220A>G, p.Ile2074Val (NM_022068.4); short protein forms I2099V, I2187V, I2074V.
Identifiers: ClinVar variation 2715550 (VCV002715550.2), dbSNP rs1182710639, ClinGen allele CA401908903.
Genomic context (GRCh38, chr18:10,699,060, plus strand): 5'-CAGCTGTCTGCTGCTCCGGGAAGGTCACATGCACTGACTCCACAGACGCGGCCAGGTTGA[T>C]GGACTTGAGAGAATCGGAGGAGTCCCTCCTGCCATGACCGAGGGAGAGCTCATCATCTGA-3'
Protein context (NP_001365112.1, residues 2177-2197): RRDSSDSLKS[Ile2187Val]NLAASVESVH

ClinVar aggregate classification (germline): Uncertain significance (1 of 4 stars; one submission).

Allele frequency attached by ClinVar (database versions not stated): gnomAD 0.00001; TOPMed 0.00002.
gnomAD v4.1: 17 of 1,537,082 alleles (0.0011%); highest among the groups gnomAD compares: East Asian, 0.0049%; no homozygotes.

Submission:

Labcorp Genetics (formerly Invitae), Labcorp
Classification: Uncertain significance. Last evaluated: 2023-09-22. Review status: criteria provided, single submitter. Criteria: Invitae Variant Classification Sherloc (09022015). Collection method: clinical testing. Allele origin: germline.
Comment: This sequence change replaces isoleucine, which is neutral and non-polar, with valine, which is neutral and non-polar, at codon 2074 of the PIEZO2 protein (p.Ile2074Val). This variant is present in population databases (no rsID available, gnomAD 0.003%). This variant has not been reported in the literature in individuals affected with PIEZO2-related conditions. Advanced modeling of protein sequence and biophysical properties (such as structural, functional, and spatial information, amino acid conservation, physicochemical variation, residue mobility, and thermodynamic stability) performed at Invitae indicates that this missense variant is not expected to disrupt PIEZO2 protein function. In summary, the available evidence is currently insufficient to determine the role of this variant in disease. Therefore, it has been classified as a Variant of Uncertain Significance.